The following is an entry in ClinVar:

ClinVar aggregate classification (germline): Conflicting classifications of pathogenicity. Review status: criteria provided, conflicting classifications (1 of 4 stars). 7 submissions from 7 submitters: Uncertain significance (1); Benign (6). Last evaluated 2026-09-01.

Conditions:
Inborn genetic diseases. Identifiers: MedGen C0950123, MeSH D030342.
X-linked Opitz G/BBB syndrome (GBBB). Also called: Opitz-Frias syndrome; MID1-Related Opitz G/BBB Syndrome; OPITZ BBBG SYNDROME, TYPE I; OPITZ SYNDROME, X-LINKED; OPITZ-G SYNDROME, TYPE I. Identifiers: Orphanet 2745, MedGen C2936904, MONDO:0010222, OMIM 300000.

Allele frequency attached by ClinVar (database versions not stated): gnomAD exomes 0.00127 and 0.00556; gnomAD 0.00240 and 0.00263; 1000 Genomes Project 0.00848; ESP Exome Variant Server 0.00019; ExAC 0.00479; 1000 Genomes Project 30x 0.00978; TOPMed 0.00432.
gnomAD v4.1: 1,706 of 1,205,410 alleles (0.14%); highest among the groups gnomAD compares: Admixed American, 2.9%; 14 homozygotes.

Submissions (7):

CeGaT Center for Human Genetics Tuebingen
Classification: Benign. Last evaluated: 2026-09-01. Review status: criteria provided, single submitter. Criteria: CeGaT Center For Human Genetics Tuebingen Variant Classification Criteria Version 2. Collection method: clinical testing. Allele origin: germline. Affected: yes. Observed: 18 variant alleles.
Comment: MID1: BS1, BS2

Labcorp Genetics (formerly Invitae), Labcorp
Classification: Benign. Last evaluated: 2026-02-04. Review status: criteria provided, single submitter. Criteria: Invitae Variant Classification Sherloc (09022015). Collection method: clinical testing. Allele origin: germline.

ARUP Laboratories, Molecular Genetics and Genomics, ARUP Laboratories
Classification: Benign for X-linked Opitz G/BBB syndrome. Last evaluated: 2023-08-07. Review status: criteria provided, single submitter. Criteria: ARUP Molecular Germline Variant Investigation Process 2024. Collection method: clinical testing. Allele origin: germline.

Center for Human Genetics, Inc
Classification: Uncertain significance for X-linked Opitz G/BBB syndrome. Last evaluated: 2016-11-01. Review status: criteria provided, single submitter. Criteria: ACMG Guidelines, 2015. Collection method: clinical testing. Allele origin: germline. Affected: yes.

Ambry Genetics
Classification: Benign for Inborn genetic diseases. Last evaluated: 2015-08-14. Review status: criteria provided, single submitter. Criteria: Ambry Variant Classification Scheme 2023. Collection method: clinical testing. Allele origin: germline.

Genetic Services Laboratory, University of Chicago
Classification: Benign. Last evaluated: 2015-02-23. Review status: criteria provided, single submitter. Criteria: ACMG Guidelines, 2015. Collection method: clinical testing. Allele origin: germline.

Eurofins Ntd Llc (ga)
Classification: Benign. Last evaluated: 2013-10-16. Review status: criteria provided, single submitter. Criteria: EGL Classification Definitions 2015. Collection method: clinical testing. Allele origin: germline. Observed: 2 variant alleles, 2 heterozygotes.

NM_000381.4(MID1):c.2000C>T (p.Pro667Leu)

Genes: MID1 (midline 1; minus strand), LOC126863207 (BRD4-independent group 4 enhancer GRCh37_chrX:10416979-10418178; plus strand). Cytogenetic location: Xp22.2.
Variant type: single nucleotide variant.
Coding change: c.2000C>T on transcript NM_000381.4 (MANE Select); coding-DNA position 2000, C replaced by T.
Protein change: p.Pro667Leu; replaces proline 667 with leucine.
Molecular consequence: missense variant.
Genome position (GRCh38, 1-based): chrX:10,449,372, G>A on the plus strand (C>T on the coding strand, the complement: MID1 is on the minus strand). VCF-style: chrX-10449372-G-A. GRCh37 (hg19) VCF-style: chrX-10417412-G-A.
Other names: c.2000C>T, p.Pro667Leu (NM_001098624.2, NM_001193277.1, NM_001347733.2 and 1 more transcripts); c.1886C>T, p.Pro629Leu (NM_033289.2); short protein forms P667L, P629L.
Identifiers: ClinVar variation 92878 (VCV000092878.52), dbSNP rs147106995, ClinGen allele CA146060.